The following is an entry in ClinVar:

NM_003072.5(SMARCA4):c.406G>T (p.Ala136Ser)

Gene: SMARCA4 (SWI/SNF related BAF chromatin remodeling complex subunit ATPase 4; plus strand). Cytogenetic location: 19p13.2.
Variant type: single nucleotide variant.
Coding change: c.406G>T on transcript NM_003072.5 (MANE Select); coding-DNA position 406, G replaced by T.
Protein change: p.Ala136Ser; replaces alanine 136 with serine.
Molecular consequence: missense variant. On other transcripts: non-coding transcript variant (1).
Genome position (GRCh38, 1-based): chr19:10,986,239, G>T. VCF-style: chr19-10986239-G-T. GRCh37 (hg19) VCF-style: chr19-11096915-G-T.
Other names: c.406G>T, p.Ala136Ser (NM_001128844.3, NM_001128845.2, NM_001128846.2 and 6 more transcripts); short protein forms A136S.
Identifiers: ClinVar variation 1719156 (VCV001719156.5), dbSNP rs2145772979, ClinGen allele CA404055823.

ClinVar aggregate classification (germline): Uncertain significance (1 of 4 stars; one submission).

Conditions:
Rhabdoid tumor predisposition syndrome 2 (RTPS2). Identifiers: Orphanet 231108, Orphanet 69077, MedGen C2750074, MONDO:0013224, OMIM 613325.

Submission:

Labcorp Genetics (formerly Invitae), Labcorp
Classification: Uncertain significance for Rhabdoid tumor predisposition syndrome 2. Last evaluated: 2022-09-10. Review status: criteria provided, single submitter. Criteria: Invitae Variant Classification Sherloc (09022015). Collection method: clinical testing. Allele origin: germline.
Comment: This sequence change replaces alanine, which is neutral and non-polar, with serine, which is neutral and polar, at codon 136 of the SMARCA4 protein (p.Ala136Ser). This variant is not present in population databases (gnomAD no frequency). This variant has not been reported in the literature in individuals affected with SMARCA4-related conditions. Advanced modeling of protein sequence and biophysical properties (such as structural, functional, and spatial information, amino acid conservation, physicochemical variation, residue mobility, and thermodynamic stability) performed at Invitae indicates that this missense variant is not expected to disrupt SMARCA4 protein function. In summary, the available evidence is currently insufficient to determine the role of this variant in disease. Therefore, it has been classified as a Variant of Uncertain Significance.